The following is an entry in ClinVar:

NM_001374353.1(GLI2):c.447C>G (p.Ser149Arg)

Gene: GLI2 (GLI family zinc finger 2; plus strand). Cytogenetic location: 2q14.2.
Variant type: single nucleotide variant.
Coding change: c.447C>G on transcript NM_001374353.1 (MANE Select); coding-DNA position 447, C replaced by G.
Protein change: p.Ser149Arg; replaces serine 149 with arginine.
Molecular consequence: missense variant.
Genome position (GRCh38, 1-based): chr2:120,951,435, C>G. VCF-style: chr2-120951435-C-G. GRCh37 (hg19) VCF-style: chr2-121709011-C-G.
Other names: c.447C>G, p.Ser149Arg (NM_001371271.1, NM_005270.5); c.72C>G, p.Ser24Arg (NM_001374354.1); short protein forms S149R, S24R.
Identifiers: ClinVar variation 3361501 (VCV003361501.2).

ClinVar aggregate classification (germline): Uncertain significance (1 of 4 stars; one submission).

Submission:

GeneDx
Classification: Uncertain significance. Last evaluated: 2026-10-03. Review status: criteria provided, single submitter. Criteria: GeneDx Variant Classification Process June 2021. Collection method: clinical testing. Allele origin: germline.
Comment: Has not been previously published as pathogenic or benign to our knowledge; Not observed at significant frequency in large population cohorts (gnomAD); In silico analysis supports that this missense variant has a deleterious effect on protein structure/function